The following is an entry in ClinVar:

ClinVar aggregate classification (germline): Conflicting classifications of pathogenicity. Review status: criteria provided, conflicting classifications (1 of 4 stars). 7 submissions from 7 submitters: Pathogenic (2); Likely pathogenic (3); Uncertain significance (2). Last evaluated 2026-07-20.

Conditions:
Cardiovascular phenotype. Identifiers: MedGen CN230736.
Dilated cardiomyopathy 1G (CMD1G). Identifiers: Orphanet 154, MedGen C1858763, MONDO:0011400, OMIM 604145.
Autosomal recessive limb-girdle muscular dystrophy type 2J (LGMDR10). Also called: Limb-girdle muscular dystrophy, type 2J; MUSCULAR DYSTROPHY, LIMB-GIRDLE, AUTOSOMAL RECESSIVE 10. Identifiers: Orphanet 140922, MedGen C1837342, MONDO:0012127, OMIM 608807.
Early-onset myopathy with fatal cardiomyopathy (CMYO5). Also called: Salih Myopathy; CONGENITAL MYOPATHY 5 WITH CARDIOMYOPATHY. Identifiers: Orphanet 289377, MedGen C2673677, MONDO:0012714, OMIM 611705. Disease mechanism: loss of function.

Allele frequency attached by ClinVar (database versions not stated): TOPMed below 0.00001; gnomAD 0.00003.
gnomAD v4.1: 5 of 1,606,182 alleles (0.00031%); highest among the groups gnomAD compares: Admixed American, 0.0084%; no homozygotes.

Submissions (7):

GeneDx
Classification: Likely pathogenic. Last evaluated: 2026-07-20. Review status: criteria provided, single submitter. Criteria: GeneDx Variant Classification Process June 2021. Collection method: clinical testing. Allele origin: germline.
Comment: Reported as an incidental finding in a cohort of individuals undergoing clinical exome sequencing; additional clinical detail was not provided (PMID: 33226272); Located in a specific region of the I-band within TTN for which truncating variants are significantly associated with autosomal dominant cardiomyopathy and also with autosomal recessive skeletal myopathies (PMID: 27625338, 27869827, 32778822); Not observed at significant frequency in large population cohorts (gnomAD); This variant is associated with the following publications: (PMID: 27625338, 27869827, 32778822, 33226272)

Ambry Genetics
Classification: Likely pathogenic for Cardiovascular phenotype. Last evaluated: 2026-01-06. Review status: criteria provided, single submitter. Criteria: Ambry Variant Classification Scheme 2023. Collection method: clinical testing. Allele origin: germline.
Comment: The p.E4590* variant (also known as c.13768G>T), located in coding exon 52 of the TTN gene, results from a G to T substitution at nucleotide position 13768. This changes the amino acid from a glutamic acid to a stop codon within coding exon 52. This exon is located in the I-band region of the N2-B isoform of the titin protein and is constitutively expressed in TTN transcripts (percent spliced in or PSI 100%). This variant was reported in individual(s) with features consistent with dilated cardiomyopathy (Ambry internal data). This variant is expected to result in loss of function by premature protein truncation or nonsense-mediated mRNA decay. While truncating variants in TTN are present in 1-3% of the general population, truncating variants in the A-band are the most common cause of dilated cardiomyopathy (Herman DS et al. N. Engl. J. Med., 2012 Feb;366:619-28; Roberts AM et al. Sci Transl Med, 2015 Jan;7:270ra6). TTN truncating variants encoded in constitutive exons (PSI >90%) have been found to be significantly associated with DCM regardless of their position in titin (Schafer S et al. Nat. Genet., 2017 01;49:46-53; Akhtar MM et al. Circ Heart Fail, 2020 Oct;13:e006832; Massier M et al. Clin Genet, 2025 Jan). Based on the majority of available evidence to date, this variant is likely to be pathogenic.

Labcorp Genetics (formerly Invitae), Labcorp
Classification: Pathogenic for Dilated cardiomyopathy 1G; Autosomal recessive limb-girdle muscular dystrophy type 2J. Last evaluated: 2025-08-12. Review status: criteria provided, single submitter. Criteria: Invitae Variant Classification Sherloc (09022015). Collection method: clinical testing. Allele origin: germline.
Comment: This sequence change creates a premature translational stop signal (p.Glu13655*) in the TTN gene. While this is not anticipated to result in nonsense mediated decay, it is expected to create a truncated TTN protein. This variant is present in population databases (rs727504198, gnomAD 0.006%). This premature translational stop signal has been observed in individual(s) with autosomal dominant dilated cardiomyopathy and clinical features of autosomal recessive centronuclear myopathy (internal data). In at least one individual the data is consistent with being in trans (on the opposite chromosome) from a pathogenic variant. ClinVar contains an entry for this variant (Variation ID: 167788). This variant is located in the I band of TTN (PMID: 25589632). Truncating variants in this region have been reported in individuals affected with autosomal recessive centronuclear myopathy (PMID: 23975875, internal data). Truncating variants in this region have also been identified in individuals affected with autosomal dominant dilated cardiomyopathy and/or cardio-related conditions (PMID: 27869827, 32964742, internal data). For these reasons, this variant has been classified as Pathogenic.

Molecular Diagnostic Laboratory for Inherited Cardiovascular Disease, Montreal Heart Institute
Classification: Pathogenic for Cardiovascular phenotype. Last evaluated: 2024-02-16. Review status: criteria provided, single submitter. Criteria: ACMG Guidelines, 2015. Collection method: clinical testing. Allele origin: germline. Affected: yes.
Comment: PVS1, PM2, PP5

Baylor Genetics
Classification: Likely pathogenic for Salih myopathy. Last evaluated: 2023-10-19. Review status: criteria provided, single submitter. Criteria: ACMG Guidelines, 2015. Collection method: clinical testing. Allele origin: unknown.

Revvity Omics, Revvity
Classification: Uncertain significance. Last evaluated: 2021-02-18. Review status: criteria provided, single submitter. Criteria: ACMG Guidelines, 2015. Collection method: clinical testing. Allele origin: germline.

Eurofins Ntd Llc (ga)
Classification: Uncertain significance. Last evaluated: 2015-12-22. Review status: criteria provided, single submitter. Criteria: EGL Classification Definitions. Collection method: clinical testing. Allele origin: germline. Observed: 1 variant allele, 1 heterozygote.

Literature cited by the submitters: PubMed 25589632 (cited by Labcorp Genetics (formerly Invitae), Labcorp); PubMed 23975875 (cited by Labcorp Genetics (formerly Invitae), Labcorp); PubMed 27869827 (cited by Labcorp Genetics (formerly Invitae), Labcorp); PubMed 32964742 (cited by Labcorp Genetics (formerly Invitae), Labcorp).

NM_001267550.2(TTN):c.40963G>T (p.Glu13655Ter)

Gene: TTN (titin; minus strand). Cytogenetic location: 2q31.2.
Variant type: single nucleotide variant.
Coding change: c.40963G>T on transcript NM_001267550.2 (MANE Select); coding-DNA position 40963, G replaced by T.
Protein change: p.Glu13655Ter; replaces glutamic acid 13655 with a stop codon.
Molecular consequence: nonsense.
Genome position (GRCh38, 1-based): chr2:178,636,764, C>A on the plus strand (G>T on the coding strand, the complement: TTN is on the minus strand). VCF-style: chr2-178636764-C-A. GRCh37 (hg19) VCF-style: chr2-179501491-C-A.
Other names: c.36040G>T, p.Glu12014Ter (NM_001256850.1); c.13768G>T, p.Glu4590Ter (NM_003319.4); c.33259G>T, p.Glu11087Ter (NM_133378.4); c.14143G>T, p.Glu4715Ter (NM_133432.3); c.14344G>T, p.Glu4782Ter (NM_133437.4); c.40963G>T (NM_001267550.1); short protein forms E11087*, E13655*, E4590*, E12014*, E4715*, E4782*.
Identifiers: ClinVar variation 167788 (VCV000167788.35), dbSNP rs727504198, ClinGen allele CA235126.